The following is an entry in ClinVar:

ClinVar aggregate classification (germline): Uncertain significance. Review status: criteria provided, multiple submitters, no conflicts (2 of 4 stars). 2 submissions from 2 submitters: Uncertain significance (2). Last evaluated 2023-03-01.

Conditions:
Cardiovascular phenotype. Identifiers: MedGen CN230736.

Allele frequency attached by ClinVar (database versions not stated): gnomAD exomes 0.00001; TOPMed 0.00001.

Submissions (2):

GeneDx
Classification: Uncertain significance. Last evaluated: 2023-03-01. Review status: criteria provided, single submitter. Criteria: GeneDx Variant Classification Process June 2021. Collection method: clinical testing. Allele origin: germline. Affected: yes.
Comment: Has not been previously published as pathogenic or benign to our knowledge; Not observed at significant frequency in large population cohorts (gnomAD); In silico analysis supports that this missense variant does not alter protein structure/function

Ambry Genetics
Classification: Uncertain significance for Cardiovascular phenotype. Last evaluated: 2016-12-15. Review status: criteria provided, single submitter. Criteria: Ambry Variant Classification Scheme 2023. Collection method: clinical testing. Allele origin: germline.
Comment: The p.N444S variant (also known as c.1331A>G), located in coding exon 11 of the ENG gene, results from an A to G substitution at nucleotide position 1331. The asparagine at codon 444 is replaced by serine, an amino acid with highly similar properties. This amino acid position is poorly conserved in available vertebrate species. In addition, this alteration is predicted to be tolerated by in silico analysis. Since supporting evidence is limited at this time, the clinical significance of this alteration remains unclear.

NM_001114753.3(ENG):c.1331A>G (p.Asn444Ser)

Genes: ENG (endoglin; minus strand), LOC102723566 (uncharacterized LOC102723566; plus strand). Cytogenetic location: 9q34.11.
Variant type: single nucleotide variant.
Coding change: c.1331A>G on transcript NM_001114753.3 (MANE Select); coding-DNA position 1331, A replaced by G.
Protein change: p.Asn444Ser; replaces asparagine 444 with serine.
Molecular consequence: missense variant.
Genome position (GRCh38, 1-based): chr9:127,818,813, T>C on the plus strand (A>G on the coding strand, the complement: ENG is on the minus strand). VCF-style: chr9-127818813-T-C. GRCh37 (hg19) VCF-style: chr9-130581092-T-C.
Other names: c.1331A>G, p.Asn444Ser (NM_000118.4); c.785A>G, p.Asn262Ser (NM_001278138.2); c.1331A>G (NM_000118.2); short protein forms N262S, N444S.
Identifiers: ClinVar variation 1770148 (VCV001770148.3), dbSNP rs1454390812, ClinGen allele CA374977826.
Genomic context (GRCh38, chr9:127,818,813, plus strand): 5'-GAGGCCTGGAGGAAGTGTGGGCTGAGGTAGAGGCCCAGCTGGAAAGAGAGGCTGTCCATG[T>C]TGAGGCAGTGCACCTTTTTCTGGGGGAGGACGGGAGGGAGACTTGGTCAATCTGGCGGCG-3'
Protein context (NP_001108225.1, residues 434-454): SPQRKKVHCL[Asn444Ser]MDSLSFQLGL